The following is an entry in ClinVar:

NM_001101426.4(CRPPA):c.614G>T (p.Arg205Leu)

Gene: CRPPA (CDP-L-ribitol pyrophosphorylase A; minus strand). Cytogenetic location: 7p21.2.
Variant type: single nucleotide variant.
Coding change: c.614G>T on transcript NM_001101426.4 (MANE Select); coding-DNA position 614, G replaced by T.
Protein change: p.Arg205Leu; replaces arginine 205 with leucine.
Molecular consequence: missense variant. On other transcripts: non-coding transcript variant (1), intron variant (1).
Genome position (GRCh38, 1-based): chr7:16,376,162, C>A on the plus strand (G>T on the coding strand, the complement: CRPPA is on the minus strand). VCF-style: chr7-16376162-C-A. GRCh37 (hg19) VCF-style: chr7-16415787-C-A.
Other names: c.614G>T, p.Arg205Leu (NM_001368197.1); c.534+29899G>T (NM_001101417.4); short protein forms R205L.
Identifiers: ClinVar variation 1997546 (VCV001997546.4), dbSNP rs566179705, ClinGen allele CA367002043.
Genomic context (GRCh38, chr7:16,376,162, plus strand): 5'-GCTTCATAAATCACATCAAATAGAAAAGCTTGGGGCATTTCACTTGCTCTGTGTCTGGCA[C>A]GTTCTAGCGAGTAGTCTAAGCAACCATCAGCAGATGGACTGACGACAGTAGATACAAGAG-3'
Protein context (NP_001094896.1, residues 195-215): ADGCLDYSLE[Arg205Leu]ARHRASEMPQ

ClinVar aggregate classification (germline): Uncertain significance (1 of 4 stars; one submission).

Conditions:
Autosomal recessive limb-girdle muscular dystrophy type 2U. Also called: MUSCULAR DYSTROPHY, LIMB-GIRDLE, TYPE 2U; Muscular dystrophy-dystroglycanopathy (limb-girdle), type c, 7. Identifiers: Orphanet 352479, MedGen C5190987, MONDO:0014474, OMIM 616052.
Muscular dystrophy-dystroglycanopathy (congenital with brain and eye anomalies), type A, 7. Also called: WALKER-WARBURG SYNDROME OR MUSCLE-EYE-BRAIN DISEASE, ISPD-RELATED; Congenital muscular dystrophy-dystroglycanopathy with brain and eye anomalies, type A7. Identifiers: Orphanet 899, MedGen C3553330, MONDO:0013835, OMIM 614643.

Submission:

Labcorp Genetics (formerly Invitae), Labcorp
Classification: Uncertain significance for Muscular dystrophy-dystroglycanopathy (congenital with brain and eye anomalies), type A, 7; Autosomal recessive limb-girdle muscular dystrophy type 2U. Last evaluated: 2022-05-21. Review status: criteria provided, single submitter. Criteria: Invitae Variant Classification Sherloc (09022015). Collection method: clinical testing. Allele origin: germline.
Comment: In summary, the available evidence is currently insufficient to determine the role of this variant in disease. Therefore, it has been classified as a Variant of Uncertain Significance. This variant disrupts the p.Arg205 amino acid residue in ISPD. Other variant(s) that disrupt this residue have been observed in individuals with ISPD-related conditions (PMID: 24120487, 32502767), which suggests that this may be a clinically significant amino acid residue. Algorithms developed to predict the effect of missense changes on protein structure and function (SIFT, PolyPhen-2, Align-GVGD) all suggest that this variant is likely to be disruptive. This variant has not been reported in the literature in individuals affected with ISPD-related conditions. This variant is not present in population databases (gnomAD no frequency). This sequence change replaces arginine, which is basic and polar, with leucine, which is neutral and non-polar, at codon 205 of the ISPD protein (p.Arg205Leu).

Literature cited by the submitters: PubMed 24120487; PubMed 32502767.